The following is an entry in ClinVar:

NM_002948.5(RPL15):c.541C>G (p.His181Asp)

Genes: NKIRAS1 (NFKB inhibitor interacting Ras like 1; minus strand), RPL15 (ribosomal protein L15; plus strand). Cytogenetic location: 3p24.2.
Variant type: single nucleotide variant.
Coding change: c.541C>G on transcript NM_002948.5 (MANE Select); coding-DNA position 541, C replaced by G.
Protein change: p.His181Asp; replaces histidine 181 with aspartic acid.
Molecular consequence: missense variant. On other transcripts: intron variant (2).
Genome position (GRCh38, 1-based): chr3:23,919,427, C>G. VCF-style: chr3-23919427-C-G. GRCh37 (hg19) VCF-style: chr3-23960918-C-G.
Other names: c.541C>G, p.His181Asp (NM_001253379.2, NM_001253380.2, NM_001253382.2 and 1 more transcripts); c.-139-7977G>C (NM_001377380.1); c.360+181C>G (NM_001253384.2); short protein forms H181D.
Identifiers: ClinVar variation 4761039 (VCV004761039.1).
Genomic context (GRCh38, chr3:23,919,427, plus strand): 5'-ATGCGTGGGCTGACATCTGCAGGCCGAAAGAGCCGTGGCCTTGGAAAGGGCCACAAGTTC[C>G]ACCACACTATTGGTGGCTCTCGCCGGGCAGCTTGGAGAAGGCGCAATACTCTCCAGCTCC-3'
Protein context (NP_002939.2, residues 171-191): SRGLGKGHKF[His181Asp]HTIGGSRRAA

ClinVar aggregate classification (germline): Uncertain significance (1 of 4 stars; one submission).

Submission:

Labcorp Genetics (formerly Invitae), Labcorp
Classification: Uncertain significance. Last evaluated: 2026-01-04. Review status: criteria provided, single submitter. Criteria: Invitae Variant Classification Sherloc (09022015). Collection method: clinical testing. Allele origin: germline.
Comment: This sequence change replaces histidine, which is basic and polar, with aspartic acid, which is acidic and polar, at codon 181 of the RPL15 protein (p.His181Asp). This variant is not present in population databases (gnomAD no frequency). This variant has not been reported in the literature in individuals affected with RPL15-related conditions. An algorithm developed to predict the effect of missense changes on protein structure and function (PolyPhen-2) suggests that this variant is likely to be disruptive. In summary, the available evidence is currently insufficient to determine the role of this variant in disease. Therefore, it has been classified as a Variant of Uncertain Significance.